The following is an entry in ClinVar:

ClinVar aggregate classification (germline): Likely benign (1 of 4 stars; one submission).

gnomAD v4.1: 1 of 1,614,164 alleles (0.000062%); highest among the groups gnomAD compares: African/African-American, 0.0013%; no homozygotes.

Submission:

CeGaT Center for Human Genetics Tuebingen
Classification: Likely benign. Last evaluated: 2022-11-01. Review status: criteria provided, single submitter. Criteria: CeGaT Center For Human Genetics Tuebingen Variant Classification Criteria Version 2. Collection method: clinical testing. Allele origin: germline. Affected: yes. Observed: 1 variant allele.
Comment: SAXO6: PM2:Supporting, BP4, BP7

NM_001354969.2(SAXO6):c.1122A>G (p.Leu374=)

Gene: SAXO6 (stabilizer of axonemal microtubules 6; minus strand). Cytogenetic location: 12q15.
Variant type: single nucleotide variant.
Coding change: c.1122A>G on transcript NM_001354969.2 (MANE Select); coding-DNA position 1122, A replaced by G.
Protein change: p.Leu374=; no amino-acid change (leucine 374 retained).
Molecular consequence: synonymous variant.
Genome position (GRCh38, 1-based): chr12:68,316,167, T>C on the plus strand (A>G on the coding strand, the complement: SAXO6 is on the minus strand). VCF-style: chr12-68316167-T-C. GRCh37 (hg19) VCF-style: chr12-68709947-T-C.
Other names: c.987A>G, p.Leu329= (NM_001205028.3); c.972A>G, p.Leu324= (NM_001354970.2); c.282A>G, p.Leu94= (NM_001354971.2, NM_001354972.2, NM_001354973.2 and 1 more transcripts); c.252A>G, p.Leu84= (NM_001354974.2); c.1092A>G, p.Leu364= (NM_017440.6).
Identifiers: ClinVar variation 2643167 (VCV002643167.24), dbSNP rs1242799129, ClinGen allele CA480412846.